The following is an entry in ClinVar:

NM_001040142.2(SCN2A):c.2993A>G (p.Asn998Ser)

Gene: SCN2A (sodium voltage-gated channel alpha subunit 2; plus strand). Cytogenetic location: 2q24.3.
Variant type: single nucleotide variant.
Coding change: c.2993A>G on transcript NM_001040142.2 (MANE Select); coding-DNA position 2993, A replaced by G.
Protein change: p.Asn998Ser; replaces asparagine 998 with serine.
Molecular consequence: missense variant.
Genome position (GRCh38, 1-based): chr2:165,354,265, A>G. VCF-style: chr2-165354265-A-G. GRCh37 (hg19) VCF-style: chr2-166210775-A-G.
Other names: c.2993A>G, p.Asn998Ser (NM_001040143.2, NM_001371246.1, NM_001371247.1 and 1 more transcripts); short protein forms N998S.
Identifiers: ClinVar variation 2010985 (VCV002010985.4), dbSNP rs2468035735, ClinGen allele CA349019592.

ClinVar aggregate classification (germline): Uncertain significance (1 of 4 stars; one submission).

Conditions:
Seizures, benign familial infantile, 3 (BFIS3). Also called: CONVULSIONS, BENIGN FAMILIAL INFANTILE, 3; Familial neonatal seizures. Identifiers: Orphanet 140927, Orphanet 306, MedGen C1843140, MONDO:0011904, OMIM 607745.
Developmental and epileptic encephalopathy, 11 (DEE11). Also called: Early infantile epileptic encephalopathy 11. Identifiers: Orphanet 1934, MedGen C3150987, MONDO:0013388, OMIM 613721.

Submission:

Labcorp Genetics (formerly Invitae), Labcorp
Classification: Uncertain significance for Seizures, benign familial infantile, 3; Developmental and epileptic encephalopathy, 11. Last evaluated: 2022-07-08. Review status: criteria provided, single submitter. Criteria: Invitae Variant Classification Sherloc (09022015). Collection method: clinical testing. Allele origin: germline.
Comment: This sequence change replaces asparagine, which is neutral and polar, with serine, which is neutral and polar, at codon 998 of the SCN2A protein (p.Asn998Ser). This variant is not present in population databases (gnomAD no frequency). This variant has not been reported in the literature in individuals affected with SCN2A-related conditions. Algorithms developed to predict the effect of missense changes on protein structure and function (SIFT, PolyPhen-2, Align-GVGD) all suggest that this variant is likely to be tolerated. In summary, the available evidence is currently insufficient to determine the role of this variant in disease. Therefore, it has been classified as a Variant of Uncertain Significance.